The following is an entry in ClinVar:

NM_015072.5(TTLL5):c.1455A>G (p.Ile485Met)

Gene: TTLL5 (tubulin tyrosine ligase like 5; plus strand). Cytogenetic location: 14q24.3.
Variant type: single nucleotide variant.
Coding change: c.1455A>G on transcript NM_015072.5 (MANE Select); coding-DNA position 1455, A replaced by G.
Protein change: p.Ile485Met; replaces isoleucine 485 with methionine.
Molecular consequence: missense variant.
Genome position (GRCh38, 1-based): chr14:75,745,549, A>G. VCF-style: chr14-75745549-A-G. GRCh37 (hg19) VCF-style: chr14-76211892-A-G.
Other names: short protein forms I485M.
Identifiers: ClinVar variation 2130179 (VCV002130179.4), dbSNP rs2503166909, ClinGen allele CA390465764.

ClinVar aggregate classification (germline): Uncertain significance (1 of 4 stars; one submission).

Submission:

Labcorp Genetics (formerly Invitae), Labcorp
Classification: Uncertain significance. Last evaluated: 2022-04-24. Review status: criteria provided, single submitter. Criteria: Invitae Variant Classification Sherloc (09022015). Collection method: clinical testing. Allele origin: germline.
Comment: Algorithms developed to predict the effect of missense changes on protein structure and function are either unavailable or do not agree on the potential impact of this missense change (SIFT: "Deleterious"; PolyPhen-2: "Probably Damaging"; Align-GVGD: "Class C0"). In summary, the available evidence is currently insufficient to determine the role of this variant in disease. Therefore, it has been classified as a Variant of Uncertain Significance. This variant has not been reported in the literature in individuals affected with TTLL5-related conditions. This sequence change replaces isoleucine, which is neutral and non-polar, with methionine, which is neutral and non-polar, at codon 485 of the TTLL5 protein (p.Ile485Met). This variant is not present in population databases (gnomAD no frequency).